The following is an entry in ClinVar:

ClinVar aggregate classification (germline): Uncertain significance (1 of 4 stars; one submission).

Conditions:
BFSP1-related disorder. Also called: BFSP1-related condition.

gnomAD v4.1: 14 of 1,611,442 alleles (0.00087%); highest among the groups gnomAD compares: Non-Finnish European, 0.0012%; no homozygotes.

Submission:

PreventionGenetics, part of Exact Sciences
Classification: Uncertain significance for BFSP1-related condition. Last evaluated: 2026-08-11. Review status: criteria provided, single submitter. Criteria: ACMG Guidelines, 2015. Collection method: clinical testing. Allele origin: germline.
Comment: The BFSP1 c.566T>A variant is predicted to result in the amino acid substitution p.Ile189Asn. To our knowledge, this variant has not been reported in the literature or in a large population database (gnomAD), indicating this variant is rare. At this time, the clinical significance of this variant is uncertain due to the absence of conclusive functional and genetic evidence.

NM_001195.5(BFSP1):c.566T>A (p.Ile189Asn)

Gene: BFSP1 (beaded filament structural protein 1; minus strand). Cytogenetic location: 20p12.1.
Variant type: single nucleotide variant.
Coding change: c.566T>A on transcript NM_001195.5 (MANE Select); coding-DNA position 566, T replaced by A.
Protein change: p.Ile189Asn; replaces isoleucine 189 with asparagine.
Molecular consequence: missense variant.
Genome position (GRCh38, 1-based): chr20:17,512,037, A>T on the plus strand (T>A on the coding strand, the complement: BFSP1 is on the minus strand). VCF-style: chr20-17512037-A-T. GRCh37 (hg19) VCF-style: chr20-17492682-A-T.
Other names: c.191T>A, p.Ile64Asn (NM_001161705.2); c.149T>A, p.Ile50Asn (NM_001278606.2, NM_001278608.2); c.233T>A, p.Ile78Asn (NM_001278607.2); c.566T>A, p.Ile189Asn (NM_001424338.1); short protein forms I189N, I50N, I64N, I78N.
Identifiers: ClinVar variation 4977208 (VCV004977208.1).